The following is an entry in ClinVar:

NM_014795.4(ZEB2):c.1059C>T (p.Ser353=)

Gene: ZEB2 (zinc finger E-box binding homeobox 2; minus strand). Cytogenetic location: 2q22.3.
Variant type: single nucleotide variant.
Coding change: c.1059C>T on transcript NM_014795.4 (MANE Select); coding-DNA position 1059, C replaced by T.
Protein change: p.Ser353=; no amino-acid change (serine 353 retained).
Molecular consequence: synonymous variant.
Genome position (GRCh38, 1-based): chr2:144,400,128, G>A on the plus strand (C>T on the coding strand, the complement: ZEB2 is on the minus strand). VCF-style: chr2-144400128-G-A. GRCh37 (hg19) VCF-style: chr2-145157695-G-A.
Other names: p.Ser353=; c.987C>T, p.Ser329= (NM_001171653.2).
Identifiers: ClinVar variation 1630141 (VCV001630141.9), dbSNP rs2149877476, ClinGen allele CA429446522.
Genomic context (GRCh38, chr2:144,400,128, plus strand): 5'-CAACTTGTTTCTTAACTGGGTAATGGCTGAATTAGTAGGAGAAGAAGAAACAGAATTAGG[G>A]GAAGAACCCGTCTTGATATTGTTTCTCATTCGGCCATTTACAGAGATTAAACCAATACAT-3'
Protein context (NP_055610.1, residues 343-363): RMRNNIKTGS[Ser353=]PNSVSSSPTN

ClinVar aggregate classification (germline): Likely benign. Review status: criteria provided, multiple submitters, no conflicts (2 of 4 stars). 2 submissions from 2 submitters: Likely benign (2). Last evaluated 2025-05-09.

Conditions:
Mowat-Wilson syndrome (MOWS). Also called: Classic Mowat-Wilson Syndrome. Identifiers: Orphanet 2152, MedGen C1856113, MONDO:0009341, OMIM 235730.

gnomAD v4.1: 1 of 1,613,990 alleles (0.000062%); highest among the groups gnomAD compares: Admixed American, 0.0017%; no homozygotes.

Submissions (2):

Mayo Clinic Laboratories, Mayo Clinic
Classification: Likely benign. Last evaluated: 2025-05-09. Review status: criteria provided, single submitter. Criteria: ACMG Guidelines, 2015. Collection method: clinical testing. Allele origin: germline. Observed: 1 variant allele.
Comment: BP4, BP7

Labcorp Genetics (formerly Invitae), Labcorp
Classification: Likely benign for Mowat-Wilson syndrome. Last evaluated: 2023-11-27. Review status: criteria provided, single submitter. Criteria: Invitae Variant Classification Sherloc (09022015). Collection method: clinical testing. Allele origin: germline.